The following is an entry in ClinVar:

ClinVar aggregate classification (germline): Likely benign (1 of 4 stars; one submission).

Submission:

CeGaT Center for Human Genetics Tuebingen
Classification: Likely benign. Last evaluated: 2026-01-01. Review status: criteria provided, single submitter. Criteria: CeGaT Center For Human Genetics Tuebingen Variant Classification Criteria Version 2. Collection method: clinical testing. Allele origin: germline. Affected: yes. Observed: 1 variant allele.
Comment: DSPP: BP4, BP7

NM_014208.3(DSPP):c.3759C>T (p.Ser1253=)

Genes: DMP1-AS1 (DMP1 and DSPP antisense RNA 1; minus strand), DSPP (dentin sialophosphoprotein; plus strand). Cytogenetic location: 4q22.1.
Variant type: single nucleotide variant.
Coding change: c.3759C>T on transcript NM_014208.3 (MANE Select); coding-DNA position 3759, C replaced by T.
Protein change: p.Ser1253=; no amino-acid change (serine 1253 retained).
Molecular consequence: synonymous variant.
Genome position (GRCh38, 1-based): chr4:87,616,421, C>T. VCF-style: chr4-87616421-C-T. GRCh37 (hg19) VCF-style: chr4-88537573-C-T.
Identifiers: ClinVar variation 4821921 (VCV004821921.4).